The following is an entry in ClinVar:

NM_017763.6(RNF43):c.1747C>T (p.Pro583Ser)

Gene: RNF43 (ring finger protein 43; minus strand). Cytogenetic location: 17q22.
Variant type: single nucleotide variant.
Coding change: c.1747C>T on transcript NM_017763.6 (MANE Select); coding-DNA position 1747, C replaced by T.
Protein change: p.Pro583Ser; replaces proline 583 with serine.
Molecular consequence: missense variant.
Genome position (GRCh38, 1-based): chr17:58,358,029, G>A on the plus strand (C>T on the coding strand, the complement: RNF43 is on the minus strand). VCF-style: chr17-58358029-G-A. GRCh37 (hg19) VCF-style: chr17-56435390-G-A.
Other names: c.1747C>T, p.Pro583Ser (NM_001305544.3); c.1366C>T, p.Pro456Ser (NM_001305545.2); short protein forms P456S, P583S.
Identifiers: ClinVar variation 1020352 (VCV001020352.8), dbSNP rs1972733850, ClinGen allele CA400387617.

ClinVar aggregate classification (germline): Uncertain significance (1 of 4 stars; one submission).

Submission:

Labcorp Genetics (formerly Invitae), Labcorp
Classification: Uncertain significance. Last evaluated: 2020-07-15. Review status: criteria provided, single submitter. Criteria: Invitae Variant Classification Sherloc (09022015). Collection method: clinical testing. Allele origin: germline.
Comment: In summary, the available evidence is currently insufficient to determine the role of this variant in disease. Therefore, it has been classified as a Variant of Uncertain Significance. Algorithms developed to predict the effect of missense changes on protein structure and function output the following: SIFT: "Tolerated"; PolyPhen-2: "Benign"; Align-GVGD: "Class C0". The serine amino acid residue is found in multiple mammalian species, suggesting that this missense change does not adversely affect protein function. These predictions have not been confirmed by published functional studies and their clinical significance is uncertain. This variant has not been reported in the literature in individuals with RNF43-related conditions. This variant is not present in population databases (ExAC no frequency). This sequence change replaces proline with serine at codon 583 of the RNF43 protein (p.Pro583Ser). The proline residue is weakly conserved and there is a moderate physicochemical difference between proline and serine.